The following is an entry in ClinVar:

NM_001080.3(ALDH5A1):c.307_308insA (p.Arg103fs)

Genes: ALDH5A1 (aldehyde dehydrogenase 5 family member A1; plus strand), LOC129995978 (ATAC-STARR-seq lymphoblastoid silent region 16989; plus strand). Cytogenetic location: 6p22.3.
Variant type: Insertion.
Coding change: c.307_308insA on transcript NM_001080.3 (MANE Select); coding-DNA positions 307 to 308, A inserted.
Protein change: p.Arg103fs; shifts the reading frame from arginine 103.
Molecular consequence: frameshift variant.
Genome position: GRCh38 VCF-style: chr6-24495303-C-CA. GRCh37 (hg19) VCF-style: chr6-24495531-C-CA.
Other names: c.307_308insA, p.Arg103fs (NM_001368954.1, NM_170740.1); short protein forms R103fs.
Identifiers: ClinVar variation 948582 (VCV000948582.8), dbSNP rs1764674805, ClinGen allele CA1139659454.

ClinVar aggregate classification (germline): Pathogenic (1 of 4 stars; one submission).

Conditions:
Succinate-semialdehyde dehydrogenase deficiency (SSADHD). Also called: 4-HYDROXYBUTYRIC ACIDURIA; GABA METABOLIC DEFECT; Succinic Semialdehyde Dehydrogenase Deficiency; SSADH DEFICIENCY. Identifiers: Orphanet 22, MedGen C0268631, MONDO:0010083, OMIM 271980.

Submission:

Labcorp Genetics (formerly Invitae), Labcorp
Classification: Pathogenic for Succinate-semialdehyde dehydrogenase deficiency. Last evaluated: 2022-03-19. Review status: criteria provided, single submitter. Criteria: Invitae Variant Classification Sherloc (09022015). Collection method: clinical testing. Allele origin: germline.
Comment: For these reasons, this variant has been classified as Pathogenic. Algorithms developed to predict the effect of sequence changes on RNA splicing suggest that this variant may create or strengthen a splice site. ClinVar contains an entry for this variant (Variation ID: 948582). This variant has not been reported in the literature in individuals affected with ALDH5A1-related conditions. This variant is not present in population databases (gnomAD no frequency). This sequence change creates a premature translational stop signal (p.Arg103Glnfs*33) in the ALDH5A1 gene. It is expected to result in an absent or disrupted protein product. Loss-of-function variants in ALDH5A1 are known to be pathogenic (PMID: 14635103).

Literature cited by the submitters: PubMed 14635103.